The following is an entry in ClinVar:

NM_015102.5(NPHP4):c.3130C>T (p.Arg1044Cys)

Gene: NPHP4 (nephrocystin 4; minus strand). Cytogenetic location: 1p36.31.
Variant type: single nucleotide variant.
Coding change: c.3130C>T on transcript NM_015102.5 (MANE Select); coding-DNA position 3130, C replaced by T.
Protein change: p.Arg1044Cys; replaces arginine 1044 with cysteine.
Molecular consequence: missense variant. On other transcripts: non-coding transcript variant (1).
Genome position (GRCh38, 1-based): chr1:5,874,572, G>A on the plus strand (C>T on the coding strand, the complement: NPHP4 is on the minus strand). VCF-style: chr1-5874572-G-A. GRCh37 (hg19) VCF-style: chr1-5934632-G-A.
Other names: c.1591C>T, p.Arg531Cys (NM_001291593.2); c.1594C>T, p.Arg532Cys (NM_001291594.2); short protein forms R1044C, R531C, R532C.
Identifiers: ClinVar variation 3350314 (VCV003350314.2).
Genomic context (GRCh38, chr1:5,874,572, plus strand): 5'-TGAAGGGGACGTGGGCGGTCTCGTGGGGGCGCAGGTAGAGCTGGGGGGCCAGGCTGCCAC[G>A]CAGGTGGAACATGTCCTCCTCCACCGGTGTGTGCAGGCCAGCAGCACCCTTGAAGTCCCT-3'
Protein context (NP_055917.1, residues 1034-1054): TPVEEDMFHL[Arg1044Cys]GSLAPQLYLR

ClinVar aggregate classification (germline): Uncertain significance. Review status: criteria provided, single submitter (1 of 4 stars). 2 submissions from 2 submitters: Uncertain significance (1). 1 of the submissions does not count toward it. Last evaluated 2023-11-08.

Conditions:
NPHP4-related disorder. Also called: NPHP4-related condition; NPHP4-related disorders. Identifiers: MedGen CN239384.

gnomAD v4.1: 56 of 1,608,676 alleles (0.0035%); highest among the groups gnomAD compares: Non-Finnish European, 0.0042%; no homozygotes.

Submissions (2):

Blueprint Genetics
Classification: Uncertain significance. Last evaluated: 2023-11-08. Review status: criteria provided, single submitter. Criteria: ACMG Guidelines, 2015. Collection method: clinical testing. Allele origin: germline.

PreventionGenetics, part of Exact Sciences
Classification: Uncertain significance for NPHP4-related condition. Last evaluated: 2024-05-08. Review status: no assertion criteria provided. Collection method: clinical testing. Allele origin: germline. Not counted in ClinVar's aggregate classification.
Comment: The NPHP4 c.3130C>T variant is predicted to result in the amino acid substitution p.Arg1044Cys. To our knowledge, this variant has not been reported in the literature. This variant is reported in 0.0069% of alleles in individuals of South Asian descent in gnomAD. At this time, the clinical significance of this variant is uncertain due to the absence of conclusive functional and genetic evidence.